The following is an entry in ClinVar:

NM_003839.4(TNFRSF11A):c.415G>A (p.Ala139Thr)

Gene: TNFRSF11A (TNF receptor superfamily member 11a; plus strand). Cytogenetic location: 18q21.33.
Variant type: single nucleotide variant.
Coding change: c.415G>A on transcript NM_003839.4 (MANE Select); coding-DNA position 415, G replaced by A.
Protein change: p.Ala139Thr; replaces alanine 139 with threonine.
Molecular consequence: missense variant.
Genome position (GRCh38, 1-based): chr18:62,354,522, G>A. VCF-style: chr18-62354522-G-A. GRCh37 (hg19) VCF-style: chr18-60021755-G-A.
Other names: c.415G>A, p.Ala139Thr (NM_001270949.2, NM_001270950.2, NM_001270951.2 and 1 more transcripts); short protein forms A139T.
Identifiers: ClinVar variation 3691953 (VCV003691953.2).

ClinVar aggregate classification (germline): Uncertain significance (1 of 4 stars; one submission).

Submission:

Labcorp Genetics (formerly Invitae), Labcorp
Classification: Uncertain significance. Last evaluated: 2024-12-04. Review status: criteria provided, single submitter. Criteria: Invitae Variant Classification Sherloc (09022015). Collection method: clinical testing. Allele origin: germline.
Comment: This sequence change replaces alanine, which is neutral and non-polar, with threonine, which is neutral and polar, at codon 139 of the TNFRSF11A protein (p.Ala139Thr). This variant is not present in population databases (gnomAD no frequency). This variant has not been reported in the literature in individuals affected with TNFRSF11A-related conditions. Invitae Evidence Modeling of protein sequence and biophysical properties (such as structural, functional, and spatial information, amino acid conservation, physicochemical variation, residue mobility, and thermodynamic stability) has been performed for this missense variant. However, the output from this modeling did not meet the statistical confidence thresholds required to predict the impact of this variant on TNFRSF11A protein function. In summary, the available evidence is currently insufficient to determine the role of this variant in disease. Therefore, it has been classified as a Variant of Uncertain Significance.